The following is an entry in ClinVar:

NM_002185.5(IL7R):c.593C>T (p.Ala198Val)

Gene: IL7R (interleukin 7 receptor; plus strand). Cytogenetic location: 5p13.2.
Variant type: single nucleotide variant.
Coding change: c.593C>T on transcript NM_002185.5 (MANE Select); coding-DNA position 593, C replaced by T.
Protein change: p.Ala198Val; replaces alanine 198 with valine.
Molecular consequence: missense variant.
Genome position (GRCh38, 1-based): chr5:35,873,535, C>T. VCF-style: chr5-35873535-C-T. GRCh37 (hg19) VCF-style: chr5-35873637-C-T.
Other names: short protein forms A198V.
Identifiers: ClinVar variation 645199 (VCV000645199.7), dbSNP rs1580862263, ClinGen allele CA359430653.

ClinVar aggregate classification (germline): Uncertain significance (1 of 4 stars; one submission).

Conditions:
Immunodeficiency 104. Also called: SCID, AUTOSOMAL RECESSIVE, T CELL-NEGATIVE, B CELL-POSITIVE, NK CELL-POSITIVE; Severe combined immunodeficiency, autosomal recessive, T cell-negative, B cell-positive, NK cell-positive; IMMUNODEFICIENCY 104, SEVERE COMBINED; Severe Combined Immune Deficiency, Autosomal Recessive, TCell -Negative, B Cell-Positive, NK Cell-Positive, IL7R-Related. Identifiers: MedGen C5676890, MONDO:0012163, OMIM 608971.

Allele frequency attached by ClinVar (database versions not stated): gnomAD 0.00001; TOPMed 0.00001.

Submission:

Labcorp Genetics (formerly Invitae), Labcorp
Classification: Uncertain significance for Immunodeficiency 104. Last evaluated: 2022-08-31. Review status: criteria provided, single submitter. Criteria: Invitae Variant Classification Sherloc (09022015). Collection method: clinical testing. Allele origin: germline.
Comment: This sequence change replaces alanine, which is neutral and non-polar, with valine, which is neutral and non-polar, at codon 198 of the IL7R protein (p.Ala198Val). This variant is not present in population databases (gnomAD no frequency). This variant has not been reported in the literature in individuals affected with IL7R-related conditions. ClinVar contains an entry for this variant (Variation ID: 645199). Advanced modeling of protein sequence and biophysical properties (such as structural, functional, and spatial information, amino acid conservation, physicochemical variation, residue mobility, and thermodynamic stability) performed at Invitae indicates that this missense variant is not expected to disrupt IL7R protein function. Algorithms developed to predict the effect of sequence changes on RNA splicing suggest that this variant may disrupt the consensus splice site. In summary, the available evidence is currently insufficient to determine the role of this variant in disease. Therefore, it has been classified as a Variant of Uncertain Significance.